The following is an entry in ClinVar:

ClinVar aggregate classification (germline): Likely benign. Review status: reviewed by expert panel (3 of 4 stars). 3 submissions from 3 submitters: Likely benign (1). 2 of the submissions do not count toward it. Last evaluated 2024-09-30.

Conditions:
Hereditary thrombocytopenia and hematologic cancer predisposition syndrome. Identifiers: Orphanet 71290, MedGen CN281654, MONDO:0011071.
Inborn genetic diseases. Identifiers: MedGen C0950123, MeSH D030342.
Hereditary thrombocytopenia and hematological cancer predisposition syndrome associated with RUNX1. Also called: Familial Platelet Disorder with Propensity to Acute Myelogenous Leukemia; Familial thrombocytopenia with propensity to acute myelogenous leukemia; PLATELET DISORDER, ASPIRIN-LIKE; RUNX1 Familial Platelet Disorder with Associated Myeloid Malignancies. Identifiers: Orphanet 71290, MedGen C1832388, MeSH C563324, MONDO:0100083, OMIM 601399.

Allele frequency attached by ClinVar (database versions not stated): ExAC below 0.00001; gnomAD 0.00002 and 0.00003; 1000 Genomes Project 30x 0.00016; 1000 Genomes Project 0.00020; TOPMed 0.00002; gnomAD exomes 0.00003.
gnomAD v4.1: 10 of 1,515,964 alleles (0.00066%); highest among the groups gnomAD compares: Middle Eastern, 0.022%; no homozygotes.

Submissions (3):

ClinGen Myeloid Malignancy Variant Curation Expert Panel
Classification: Likely benign for Hereditary thrombocytopenia and hematologic cancer predisposition syndrome. Last evaluated: 2024-09-30. Review status: reviewed by expert panel. Criteria: ClinGen MyeloMalig ACMG Specifications v2. Collection method: curation. Allele origin: germline. Inheritance: Autosomal dominant inheritance.
Comment: NM_001754.5(RUNX1):c.1416G>A (p.Leu472=) is a synonymous which variant has a SpliceAI score ≤ 0.20 (0.0) (BP4). This variant has a SpliceAI score ≤ 0.20 (0.0) and evolutionary conservation algorithms predict the site as not being conserved (PhyloP score ≤ 2.0 (-0.50)) (BP7). In summary, this variant meets criteria to be classified as likely benign. ACMG/AMP criteria applied, as specified by the Myeloid Malignancy Variant Curation Expert Panel for RUNX1: BP4, BP7.

Labcorp Genetics (formerly Invitae), Labcorp
Classification: Likely benign for Hereditary thrombocytopenia and hematological cancer predisposition syndrome associated with RUNX1. Last evaluated: 2025-12-03. Review status: criteria provided, single submitter. Criteria: Invitae Variant Classification Sherloc (09022015). Collection method: clinical testing. Allele origin: germline. Not counted in ClinVar's aggregate classification.

Ambry Genetics
Classification: Likely benign for Inborn genetic diseases. Last evaluated: 2024-11-25. Review status: criteria provided, single submitter. Criteria: Ambry Variant Classification Scheme 2023. Collection method: clinical testing. Allele origin: germline. Not counted in ClinVar's aggregate classification.

NM_001754.5(RUNX1):c.1416G>A (p.Leu472=)

Gene: RUNX1 (RUNX family transcription factor 1; minus strand). Cytogenetic location: 21q22.12.
Variant type: single nucleotide variant.
Coding change: c.1416G>A on transcript NM_001754.5 (MANE Select); coding-DNA position 1416, G replaced by A.
Protein change: p.Leu472=; no amino-acid change (leucine 472 retained).
Molecular consequence: synonymous variant.
Genome position (GRCh38, 1-based): chr21:34,792,162, C>T on the plus strand (G>A on the coding strand, the complement: RUNX1 is on the minus strand). VCF-style: chr21-34792162-C-T. GRCh37 (hg19) VCF-style: chr21-36164459-C-T.
Other names: NM_001754.5(RUNX1):c.1416G>A; p.Leu472=; c.1335G>A, p.Leu445= (NM_001001890.3).
Identifiers: ClinVar variation 409810 (VCV000409810.12), dbSNP rs199733903, ClinGen allele CA10014173.